The following is an entry in ClinVar:

NM_030667.3(PTPRO):c.1690G>A (p.Glu564Lys)

Gene: PTPRO (protein tyrosine phosphatase receptor type O; plus strand). Cytogenetic location: 12p12.3.
Variant type: single nucleotide variant.
Coding change: c.1690G>A on transcript NM_030667.3 (MANE Select); coding-DNA position 1690, G replaced by A.
Protein change: p.Glu564Lys; replaces glutamic acid 564 with lysine.
Molecular consequence: missense variant.
Genome position (GRCh38, 1-based): chr12:15,516,867, G>A. VCF-style: chr12-15516867-G-A. GRCh37 (hg19) VCF-style: chr12-15669801-G-A.
Other names: c.1690G>A, p.Glu564Lys (NM_002848.4); short protein forms E564K.
Identifiers: ClinVar variation 3311643 (VCV003311643.2).

ClinVar aggregate classification (germline): Uncertain significance. Review status: criteria provided, multiple submitters, no conflicts (2 of 4 stars). 2 submissions from 2 submitters: Uncertain significance (2). Last evaluated 2024-04-01.

Conditions:
Nephrotic syndrome, type 6 (NPHS6). Identifiers: Orphanet 656, MedGen C3280100, MONDO:0013619, OMIM 614196.

gnomAD v4.1: 67 of 1,613,278 alleles (0.0042%); highest among the groups gnomAD compares: Non-Finnish European, 0.0051%; no homozygotes.

Submissions (2):

Ambry Genetics
Classification: Uncertain significance. Last evaluated: 2024-04-01. Review status: criteria provided, single submitter. Criteria: Ambry Variant Classification Scheme 2023. Collection method: clinical testing. Allele origin: germline.
Comment: Does not currently meet published gene-disease clinical validity criteria Based on insufficient or conflicting evidence, the clinical significance of this alteration remains unclear.

Fulgent Genetics
Classification: Uncertain significance for Nephrotic syndrome, type 6. Last evaluated: 2024-03-05. Review status: criteria provided, single submitter. Criteria: ACMG Guidelines, 2015. Collection method: clinical testing. Allele origin: germline.

Literature cited by the submitters: PubMed 28106320 (cited by Ambry Genetics).